The following is an entry in ClinVar:

NM_001040108.2(MLH3):c.827G>A (p.Ser276Asn)

Gene: MLH3 (mutL homolog 3; minus strand). Cytogenetic location: 14q24.3.
Variant type: single nucleotide variant.
Coding change: c.827G>A on transcript NM_001040108.2 (MANE Select); coding-DNA position 827, G replaced by A.
Protein change: p.Ser276Asn; replaces serine 276 with asparagine.
Molecular consequence: missense variant.
Genome position (GRCh38, 1-based): chr14:75,048,829, C>T on the plus strand (G>A on the coding strand, the complement: MLH3 is on the minus strand). VCF-style: chr14-75048829-C-T. GRCh37 (hg19) VCF-style: chr14-75515532-C-T.
Other names: c.827G>A, p.Ser276Asn (NM_014381.3); short protein forms S276N.
Identifiers: ClinVar variation 1762724 (VCV001762724.3), dbSNP rs758682610, ClinGen allele CA7275963.
Genomic context (GRCh38, chr14:75,048,829, plus strand): 5'-TGCCGAAGACTTGAATTCATTTGCCTACTGGTGGGACCATTCTTTGGCTTGCATATAATA[C>T]TTTCTTTCCTTAATAAAAAGTCAATGAGTTTATGTAGCTTTGTCCTTAAAACTAGTCTTT-3'
Protein context (NP_001035197.1, residues 266-286): KLIDFLLRKE[Ser276Asn]IICKPKNGPT

ClinVar aggregate classification (germline): Uncertain significance (1 of 4 stars; one submission).

Allele frequency attached by ClinVar (database versions not stated): gnomAD exomes below 0.00001; ExAC 0.00001.
gnomAD v4.1: 2 of 1,614,018 alleles (0.00012%); highest among the groups gnomAD compares: African/African-American, 0.0013%; no homozygotes.

Submission:

Ambry Genetics
Classification: Uncertain significance. Last evaluated: 2023-03-31. Review status: criteria provided, single submitter. Criteria: Ambry Variant Classification Scheme 2023. Collection method: clinical testing. Allele origin: germline.
Comment: The p.S276N variant (also known as c.827G>A), located in coding exon 1 of the MLH3 gene, results from a G to A substitution at nucleotide position 827. The serine at codon 276 is replaced by asparagine, an amino acid with highly similar properties. This amino acid position is well conserved in available vertebrate species. In addition, the in silico prediction for this alteration is inconclusive. Since supporting evidence is limited at this time, the clinical significance of this alteration remains unclear.